The following is an entry in ClinVar:

ClinVar aggregate classification (germline): Benign/Likely benign. Review status: criteria provided, multiple submitters, no conflicts (2 of 4 stars). 2 submissions from 2 submitters: Benign (1); Likely benign (1). Last evaluated 2026-04-23.

Conditions:
Colorectal cancer, susceptibility to, 1. Also called: COLORECTAL ADENOMA AND CANCER, SUSCEPTIBILITY TO; COLORECTAL CANCER, SUSCEPTIBILITY TO, ON CHROMOSOME 9. Identifiers: MedGen C1837315, MONDO:0012132, OMIM 608812.

Submissions (2):

Myriad Genetics, Inc.
Classification: Benign for Colorectal cancer, susceptibility to, 1. Last evaluated: 2026-04-23. Review status: criteria provided, single submitter. Criteria: Myriad Autosomal Dominant, Autosomal Recessive and X-Linked Classification Criteria (2023). Collection method: clinical testing. Allele origin: unknown.
Comment: This variant is considered benign. This variant is a silent/synonymous amino acid change and it is not expected to impact splicing.

Ambry Genetics
Classification: Likely benign. Last evaluated: 2022-01-12. Review status: criteria provided, single submitter. Criteria: Ambry Variant Classification Scheme 2023. Collection method: clinical testing. Allele origin: germline.

NM_024642.5(GALNT12):c.513G>C (p.Val171=)

Gene: GALNT12 (polypeptide N-acetylgalactosaminyltransferase 12; plus strand). Cytogenetic location: 9q22.33.
Variant type: single nucleotide variant.
Coding change: c.513G>C on transcript NM_024642.5 (MANE Select); coding-DNA position 513, G replaced by C.
Protein change: p.Val171=; no amino-acid change (valine 171 retained).
Molecular consequence: synonymous variant.
Genome position (GRCh38, 1-based): chr9:98,823,397, G>C. VCF-style: chr9-98823397-G-C. GRCh37 (hg19) VCF-style: chr9-101585679-G-C.
Identifiers: ClinVar variation 1745603 (VCV001745603.3), dbSNP rs2490492782, ClinGen allele CA466423615.